The following is an entry in ClinVar:

ClinVar aggregate classification (germline): Pathogenic (1 of 4 stars; one submission).

Submission:

Labcorp Genetics (formerly Invitae), Labcorp
Classification: Pathogenic. Last evaluated: 2023-02-25. Review status: criteria provided, single submitter. Criteria: Invitae Variant Classification Sherloc (09022015). Collection method: clinical testing. Allele origin: unknown.
Comment: This variant is a gross deletion of the genomic region encompassing exon(s) 16-18 of the EYS gene. This variant would be expected to be in-frame, preserving the integrity of the reading frame. This variant has not been reported in the literature in individuals affected with EYS-related conditions. This variant disrupts a region of the EYS protein in which other variant(s) (p.Gly843Glu) have been determined to be pathogenic (PMID: 22302105, 22363543, 29785639, 31814702; Invitae). This suggests that this is a clinically significant region of the protein, and that variants that disrupt it are likely to be disease-causing. For these reasons, this variant has been classified as Pathogenic.

Literature cited by the submitters: PubMed 22302105; PubMed 22363543; PubMed 29785639; PubMed 31814702.

NC_000006.11:g.(?_65611986)_(65622656_?)del

Gene: EYS (eyes shut homolog; minus strand). Cytogenetic location: 6q12.
Variant type: Deletion.
Identifiers: ClinVar variation 3246109 (VCV003246109.1).